The following is an entry in ClinVar:

NM_145046.5(CALR3):c.65A>G (p.Tyr22Cys)

Gene: CALR3 (calreticulin 3; minus strand). Cytogenetic location: 19p13.11.
Variant type: single nucleotide variant.
Coding change: c.65A>G on transcript NM_145046.5 (MANE Select); coding-DNA position 65, A replaced by G.
Protein change: p.Tyr22Cys; replaces tyrosine 22 with cysteine.
Molecular consequence: missense variant.
Genome position (GRCh38, 1-based): chr19:16,496,065, T>C on the plus strand (A>G on the coding strand, the complement: CALR3 is on the minus strand). VCF-style: chr19-16496065-T-C. GRCh37 (hg19) VCF-style: chr19-16606876-T-C.
Other names: short protein forms Y22C.
Identifiers: ClinVar variation 2733170 (VCV002733170.3), dbSNP rs964981557, ClinGen allele CA305997341.

ClinVar aggregate classification (germline): Uncertain significance (1 of 4 stars; one submission).

Conditions:
Hypertrophic cardiomyopathy 19. Also called: Familial hypertrophic cardiomyopathy 19. Identifiers: MedGen CN077603, MONDO:0013476.

Allele frequency attached by ClinVar (database versions not stated): gnomAD exomes below 0.00001; TOPMed 0.00001; gnomAD 0.00002.
gnomAD v4.1: 4 of 1,603,598 alleles (0.00025%); highest among the groups gnomAD compares: African/African-American, 0.004%; no homozygotes.

Submission:

Labcorp Genetics (formerly Invitae), Labcorp
Classification: Uncertain significance for Hypertrophic cardiomyopathy 19. Last evaluated: 2023-12-13. Review status: criteria provided, single submitter. Criteria: Invitae Variant Classification Sherloc (09022015). Collection method: clinical testing. Allele origin: germline.
Comment: This sequence change replaces tyrosine, which is neutral and polar, with cysteine, which is neutral and slightly polar, at codon 22 of the CALR3 protein (p.Tyr22Cys). This variant is present in population databases (no rsID available, gnomAD 0.01%). This variant has not been reported in the literature in individuals affected with CALR3-related conditions. Advanced modeling of protein sequence and biophysical properties (such as structural, functional, and spatial information, amino acid conservation, physicochemical variation, residue mobility, and thermodynamic stability) performed at Invitae indicates that this missense variant is not expected to disrupt CALR3 protein function with a negative predictive value of 80%. In summary, the available evidence is currently insufficient to determine the role of this variant in disease. Therefore, it has been classified as a Variant of Uncertain Significance.